The following is an entry in ClinVar:

NM_001394372.1(BICRA):c.3194G>A (p.Ser1065Asn)

Gene: BICRA (BRD4 interacting chromatin remodeling complex associated protein; plus strand). Cytogenetic location: 19q13.33.
Variant type: single nucleotide variant.
Coding change: c.3194G>A on transcript NM_001394372.1 (MANE Select); coding-DNA position 3194, G replaced by A.
Protein change: p.Ser1065Asn; replaces serine 1065 with asparagine.
Molecular consequence: missense variant.
Genome position (GRCh38, 1-based): chr19:47,696,458, G>A. VCF-style: chr19-47696458-G-A. GRCh37 (hg19) VCF-style: chr19-48199715-G-A.
Other names: c.3194G>A, p.Ser1065Asn (NM_015711.3); short protein forms S1065N.
Identifiers: ClinVar variation 3342173 (VCV003342173.16).

ClinVar aggregate classification (germline): Likely benign (1 of 4 stars; one submission).

gnomAD v4.1: 4 of 1,599,850 alleles (0.00025%); highest among the groups gnomAD compares: African/African-American, 0.0054%; no homozygotes.

Submission:

CeGaT Center for Human Genetics Tuebingen
Classification: Likely benign. Last evaluated: 2024-08-01. Review status: criteria provided, single submitter. Criteria: CeGaT Center For Human Genetics Tuebingen Variant Classification Criteria Version 2. Collection method: clinical testing. Allele origin: germline. Affected: yes. Observed: 1 variant allele.
Comment: BICRA: BP4